The following is an entry in ClinVar:

NM_000202.8(IDS):c.1053del (p.Phe351fs)

Genes: IDS (iduronate 2-sulfatase; minus strand), LOC106050102 (IDS recombination region; plus strand). Cytogenetic location: Xq28.
Variant type: Deletion.
Coding change: c.1053del on transcript NM_000202.8 (MANE Select); coding-DNA position 1053, one base deleted (T; older notation c.1053delT).
Protein change: p.Phe351fs; shifts the reading frame from phenylalanine 351.
Molecular consequence: frameshift variant.
Genome position (GRCh38, 1-based): chrX:149,487,052, A deleted on the plus strand (T on the coding strand, the reverse complement: IDS is on the minus strand); the first of 4 consecutive A bases (chrX:149,487,052-149,487,055); deleting any one gives the same sequence. VCF-style (leftmost placement, unchanged base first): chrX-149487051-CA-C. GRCh37 (hg19) VCF-style: chrX-148568582-CA-C.
Other names: c.783del, p.Phe261fs (NM_001166550.4); short protein forms F261fs, F351fs.
Identifiers: ClinVar variation 3255955 (VCV003255955.3).

ClinVar aggregate classification (germline): Pathogenic. Review status: criteria provided, multiple submitters, no conflicts (2 of 4 stars). 2 submissions from 2 submitters: Pathogenic (2). Last evaluated 2025-03-06.

Conditions:
Mucopolysaccharidosis, MPS-II (MPS2). Also called: Hunter Syndrome; IDURONATE 2-SULFATASE DEFICIENCY; Mucopolysaccharidosis Type II; Mucopolysaccharidosis type 2; Attenuated MPS (subtype; formerly known as mild MPS II); Severe MPS II. Identifiers: Orphanet 580, Orphanet 79388, MedGen C0026705, MONDO:0010674, OMIM 309900.

Submissions (2):

Labcorp Genetics (formerly Invitae), Labcorp
Classification: Pathogenic for Mucopolysaccharidosis, MPS-II. Last evaluated: 2025-03-06. Review status: criteria provided, single submitter. Criteria: Invitae Variant Classification Sherloc (09022015). Collection method: clinical testing. Allele origin: germline.
Comment: This sequence change creates a premature translational stop signal (p.Phe351Leufs*9) in the IDS gene. It is expected to result in an absent or disrupted protein product. Loss-of-function variants in IDS are known to be pathogenic (PMID: 8940265, 9875019). This variant is not present in population databases (gnomAD no frequency). This premature translational stop signal has been observed in individual(s) with Hunter syndrome (PMID: 23726270). ClinVar contains an entry for this variant (Variation ID: 3255955). Algorithms developed to predict the effect of sequence changes on RNA splicing suggest that this variant may disrupt the consensus splice site. For these reasons, this variant has been classified as Pathogenic.

Laboratory of Diagnosis and Therapy of Lysosomal Disorders, University of Padova
Classification: Pathogenic for Mucopolysaccharidosis, MPS-II. Last evaluated: 2024-06-07. Review status: criteria provided, single submitter. Criteria: ACMG Guidelines, 2015. Collection method: literature only. Allele origin: germline. Affected: yes. Observed: 1 variant allele.
Comment: Null variant (PVS1_VeryStrong), De novo (PS2_Moderate), Absent from controls (or at low frequency) in gnomAD database (PM2_Moderate), Patient’s phenotype or family history highly specific for the disease (PP4_Strong)

Classification method: ACMG Guidelines [PMID:25741868] with modifications

Literature cited by the submitters: PubMed 8940265 (cited by Labcorp Genetics (formerly Invitae), Labcorp); PubMed 9875019 (cited by Labcorp Genetics (formerly Invitae), Labcorp); PubMed 23726270 (cited by Labcorp Genetics (formerly Invitae), Labcorp and Laboratory of Diagnosis and Therapy of Lysosomal Disorders, University of Padova).